The following is an entry in ClinVar:

ClinVar aggregate classification (germline): Conflicting classifications of pathogenicity. Review status: criteria provided, conflicting classifications (1 of 4 stars). 4 submissions from 4 submitters: Uncertain significance (1); Likely benign (2). 1 of the submissions does not count toward it. Last evaluated 2025-12-31.

Conditions:
ADCY10-related disorder. Also called: ADCY10-related condition.

Allele frequency attached by ClinVar (database versions not stated): 1000 Genomes Project 0.00100; 1000 Genomes Project 30x 0.00109; ExAC 0.00110; gnomAD exomes 0.00122 and 0.00260; ESP Exome Variant Server 0.00138; gnomAD 0.00159 and 0.00160; TOPMed 0.00168.
gnomAD v4.1: 4,029 of 1,614,046 alleles (0.25%); highest among the groups gnomAD compares: Non-Finnish European, 0.32%; 8 homozygotes.

Submissions (4):

Labcorp Genetics (formerly Invitae), Labcorp
Classification: Likely benign. Last evaluated: 2025-12-31. Review status: criteria provided, single submitter. Criteria: Invitae Variant Classification Sherloc (09022015). Collection method: clinical testing. Allele origin: germline.

Blueprint Genetics
Classification: Likely benign. Last evaluated: 2024-11-21. Review status: criteria provided, single submitter. Criteria: ACMG Guidelines, 2015. Collection method: clinical testing. Allele origin: germline.

Breakthrough Genomics
Classification: Uncertain significance. Review status: criteria provided, single submitter. Criteria: ACMG Guidelines, 2015. Collection method: not provided. Allele origin: germline. Inheritance: Autosomal dominant inheritance. Affected: yes.

PreventionGenetics, part of Exact Sciences
Classification: Likely benign for ADCY10-related condition. Last evaluated: 2020-09-21. Review status: no assertion criteria provided. Collection method: clinical testing. Allele origin: germline. Not counted in ClinVar's aggregate classification.
Comment: This variant is classified as likely benign based on ACMG/AMP sequence variant interpretation guidelines (Richards et al. 2015 PMID: 25741868, with internal and published modifications).

NM_018417.6(ADCY10):c.2042C>T (p.Ala681Val)

Gene: ADCY10 (adenylate cyclase 10; minus strand). Cytogenetic location: 1q24.2.
Variant type: single nucleotide variant.
Coding change: c.2042C>T on transcript NM_018417.6 (MANE Select); coding-DNA position 2042, C replaced by T.
Protein change: p.Ala681Val; replaces alanine 681 with valine.
Molecular consequence: missense variant.
Genome position (GRCh38, 1-based): chr1:167,856,294, G>A on the plus strand (C>T on the coding strand, the complement: ADCY10 is on the minus strand). VCF-style: chr1-167856294-G-A. GRCh37 (hg19) VCF-style: chr1-167825532-G-A.
Other names: c.1583C>T, p.Ala528Val (NM_001167749.3); c.1766C>T, p.Ala589Val (NM_001297772.2); short protein forms A528V, A589V, A681V.
Identifiers: ClinVar variation 962219 (VCV000962219.11), dbSNP rs75116612, ClinGen allele CA1227749.